The following is an entry in ClinVar:

ClinVar aggregate classification (germline): Uncertain significance (1 of 4 stars; one submission).

Allele frequency attached by ClinVar (database versions not stated): gnomAD exomes below 0.00001.
gnomAD v4.1: 1 of 1,614,196 alleles (0.000062%); highest among the groups gnomAD compares: South Asian, 0.0011%; no homozygotes.

Submission:

Ambry Genetics
Classification: Uncertain significance. Last evaluated: 2024-06-16. Review status: criteria provided, single submitter. Criteria: Ambry Variant Classification Scheme 2023. Collection method: clinical testing. Allele origin: germline.
Comment: The p.A367T variant (also known as c.1099G>A), located in coding exon 10 of the RAD54L gene, results from a G to A substitution at nucleotide position 1099. The alanine at codon 367 is replaced by threonine, an amino acid with similar properties. This amino acid position is conserved. In addition, the in silico prediction for this alteration is inconclusive. Since supporting evidence is limited at this time, the clinical significance of this alteration remains unclear.

NM_003579.4(RAD54L):c.1099G>A (p.Ala367Thr)

Gene: RAD54L (RAD54 like; plus strand). Cytogenetic location: 1p34.1.
Variant type: single nucleotide variant.
Coding change: c.1099G>A on transcript NM_003579.4 (MANE Select); coding-DNA position 1099, G replaced by A.
Protein change: p.Ala367Thr; replaces alanine 367 with threonine.
Molecular consequence: missense variant.
Genome position (GRCh38, 1-based): chr1:46,270,715, G>A. VCF-style: chr1-46270715-G-A. GRCh37 (hg19) VCF-style: chr1-46736387-G-A.
Other names: c.1099G>A, p.Ala367Thr (NM_001142548.2); c.559G>A, p.Ala187Thr (NM_001370766.1); short protein forms A367T, A187T.
Identifiers: ClinVar variation 1791553 (VCV001791553.3), dbSNP rs2148298091, ClinGen allele CA340175146.